The following is an entry in ClinVar:

ClinVar aggregate classification (germline): Likely benign. Review status: criteria provided, multiple submitters, no conflicts (2 of 4 stars). 3 submissions from 3 submitters: Likely benign (3). Last evaluated 2025-05-06.

gnomAD v4.1: 95 of 1,613,654 alleles (0.0059%); highest among the groups gnomAD compares: South Asian, 0.096%; 1 homozygote.

Submissions (3):

Women's Health and Genetics/Laboratory Corporation of America, LabCorp
Classification: Likely benign. Last evaluated: 2025-05-06. Review status: criteria provided, single submitter. Criteria: LabCorp Variant Classification Summary - May 2015. Collection method: clinical testing. Allele origin: germline.
Comment: Variant summary: SPARC c.209-11C>T alters a non-conserved nucleotide located at a position not widely known to affect splicing. Consensus agreement among computation tools predict no significant impact on normal splicing. However, these predictions have yet to be confirmed by functional studies. The variant allele was found at a frequency of 0.00014 in 248998 control chromosomes. This frequency is not significantly higher than estimated for a pathogenic variant in SPARC causing Osteogenesis Imperfecta, Type Xvii, allowing no conclusion about variant significance. To our knowledge, no occurrence of c.209-11C>T in individuals affected with Osteogenesis Imperfecta, Type Xvii and no experimental evidence demonstrating its impact on protein function have been reported. ClinVar contains an entry for this variant (Variation ID: 3609506). Based on the evidence outlined above, the variant was classified as likely benign.

Blueprint Genetics
Classification: Likely benign. Last evaluated: 2024-10-28. Review status: criteria provided, single submitter. Criteria: ACMG Guidelines, 2015. Collection method: clinical testing. Allele origin: germline.

Labcorp Genetics (formerly Invitae), Labcorp
Classification: Likely benign. Last evaluated: 2024-05-31. Review status: criteria provided, single submitter. Criteria: Invitae Variant Classification Sherloc (09022015). Collection method: clinical testing. Allele origin: germline.

NM_003118.4(SPARC):c.209-11C>T

Gene: SPARC (secreted protein acidic and cysteine rich; minus strand). Cytogenetic location: 5q33.1.
Variant type: single nucleotide variant.
Coding change: c.209-11C>T on transcript NM_003118.4 (MANE Select); 11 bases into the intron before coding-DNA position 209, C replaced by T.
Molecular consequence: intron variant.
Genome position (GRCh38, 1-based): chr5:151,671,705, G>A on the plus strand (C>T on the coding strand, the complement: SPARC is on the minus strand). VCF-style: chr5-151671705-G-A. GRCh37 (hg19) VCF-style: chr5-151051266-G-A.
Other names: c.206-11C>T (NM_001309443.2); c.209-11C>T (NM_001309444.2).
Identifiers: ClinVar variation 3609506 (VCV003609506.4).